The following is an entry in ClinVar:

ClinVar aggregate classification (germline): Likely benign (1 of 4 stars; one submission).

Conditions:
Sessile serrated polyposis cancer syndrome (SSPCS). Identifiers: Orphanet 157798, MedGen C4310714, MONDO:0014919, OMIM 617108.

Submission:

Myriad Genetics, Inc.
Classification: Likely benign for Sessile serrated polyposis cancer syndrome. Last evaluated: 2026-06-26. Review status: criteria provided, single submitter. Criteria: Myriad Autosomal Dominant, Autosomal Recessive and X-Linked Classification Criteria (2023). Collection method: clinical testing. Allele origin: unknown.
Comment: This variant is considered likely benign. This variant is intronic and is not expected to impact mRNA splicing.

NM_017763.6(RNF43):c.849+10G>A

Gene: RNF43 (ring finger protein 43; minus strand). Cytogenetic location: 17q22.
Variant type: single nucleotide variant.
Coding change: c.849+10G>A on transcript NM_017763.6 (MANE Select); 10 bases into the intron after coding-DNA position 849, G replaced by A.
Molecular consequence: intron variant.
Genome position (GRCh38, 1-based): chr17:58,360,773, C>T on the plus strand (G>A on the coding strand, the complement: RNF43 is on the minus strand). VCF-style: chr17-58360773-C-T. GRCh37 (hg19) VCF-style: chr17-56438134-C-T.
Other names: c.849+10G>A (NM_001438822.1, NM_001305544.3, NM_001438820.1 and 1 more transcripts); c.468+10G>A (NM_001305545.2, NM_001437987.1).
Identifiers: ClinVar variation 4875729 (VCV004875729.1).
Genomic context (GRCh38, chr17:58,360,773, plus strand): 5'-CTGCCCACCCCTCCCCCAGCTTCAATCTCCCCAGTCTGGTCATGGAGGTGAACCACAAGA[C>T]CTGCCTTACCTGCCCCTCAGAGAACTCCTCCAGACAGATGGCACACACAGGGGCTGAGCT-3'